The following is an entry in ClinVar:

NM_003560.4(PLA2G6):c.797G>C (p.Gly266Ala)

Gene: PLA2G6 (phospholipase A2 group VI; minus strand). Cytogenetic location: 22q13.1.
Variant type: single nucleotide variant.
Coding change: c.797G>C on transcript NM_003560.4 (MANE Select); coding-DNA position 797, G replaced by C.
Protein change: p.Gly266Ala; replaces glycine 266 with alanine.
Molecular consequence: missense variant. On other transcripts: intron variant (1).
Genome position (GRCh38, 1-based): chr22:38,139,982, C>G on the plus strand (G>C on the coding strand, the complement: PLA2G6 is on the minus strand). VCF-style: chr22-38139982-C-G. GRCh37 (hg19) VCF-style: chr22-38535989-C-G.
Other names: c.797G>C, p.Gly266Ala (NM_001004426.3, NM_001199562.3, NM_001349864.2 and 2 more transcripts); c.263G>C, p.Gly88Ala (NM_001349867.2, NM_001349869.2); c.119+3123G>C (NM_001349868.2); short protein forms G266A, G88A.
Identifiers: ClinVar variation 1313251 (VCV001313251.17), dbSNP rs764286950, ClinGen allele CA411531225.

ClinVar aggregate classification (germline): Conflicting classifications of pathogenicity. Review status: criteria provided, conflicting classifications (1 of 4 stars). 2 submissions from 2 submitters: Pathogenic (1); Uncertain significance (1). Last evaluated 2022-03-01.

Conditions:
Autosomal recessive Parkinson disease 14. Also called: DYSTONIA-PARKINSONISM, ADULT-ONSET; PARKINSON DISEASE 14. Identifiers: Orphanet 199351, MedGen C2751842, MONDO:0013060, OMIM 612953.

gnomAD v4.1: 2 of 1,586,376 alleles (0.00013%); highest among the groups gnomAD compares: Non-Finnish European, 0.00017%; no homozygotes.

Submissions (2):

Department of Neurology, Xijing Hospital, Fourth Military Medical University
Classification: Pathogenic for Autosomal recessive Parkinson disease 14. Last evaluated: 2022-03-01. Review status: criteria provided, single submitter. Criteria: ACMG Guidelines, 2015. Collection method: clinical testing. Allele origin: germline.

GeneDx
Classification: Uncertain significance. Last evaluated: 2020-10-09. Review status: criteria provided, single submitter. Criteria: GeneDx Variant Classification Process June 2021. Collection method: clinical testing. Allele origin: germline. Affected: yes.
Comment: Not observed in large population cohorts (Lek et al., 2016); In silico analysis supports that this missense variant does not alter protein structure/function; Has not been previously published as pathogenic or benign to our knowledge